The following is an entry in ClinVar:

ClinVar aggregate classification (germline): Pathogenic (1 of 4 stars; one submission).

Conditions:
Eichsfeld type congenital muscular dystrophy (CMYO3). Also called: MYOPATHY, SEPN1-RELATED; SELENON-related myopathy; Congenital myopathy 3 with rigid spine; Rigid spine muscular dystrophy 1. Identifiers: MedGen C0410180, MONDO:0100100, OMIM 602771.

Allele frequency attached by ClinVar (database versions not stated): gnomAD exomes below 0.00001; TOPMed below 0.00001.
gnomAD v4.1: 1 of 1,613,774 alleles (0.000062%); highest among the groups gnomAD compares: Non-Finnish European, 0.000085%; no homozygotes.

Submission:

Labcorp Genetics (formerly Invitae), Labcorp
Classification: Pathogenic for Eichsfeld type congenital muscular dystrophy. Last evaluated: 2025-07-16. Review status: criteria provided, single submitter. Criteria: Invitae Variant Classification Sherloc (09022015). Collection method: clinical testing. Allele origin: germline.
Comment: This sequence change creates a premature translational stop signal (p.Trp191*) in the SELENON gene. It is expected to result in an absent or disrupted protein product. Loss-of-function variants in SELENON are known to be pathogenic (PMID: 21131290, 21670436). This variant is not present in population databases (gnomAD no frequency). This variant has not been reported in the literature in individuals affected with SELENON-related conditions. ClinVar contains an entry for this variant (Variation ID: 1420223). Algorithms developed to predict the effect of sequence changes on RNA splicing suggest that this variant may disrupt the consensus splice site. For these reasons, this variant has been classified as Pathogenic.

Literature cited by the submitters: PubMed 21131290; PubMed 21670436.

NM_206926.2(SELENON):c.470G>A (p.Trp157Ter)

Gene: SELENON (selenoprotein N; plus strand). Cytogenetic location: 1p36.11.
Variant type: single nucleotide variant.
Coding change: c.470G>A on transcript NM_206926.2 (MANE Select); coding-DNA position 470, G replaced by A.
Protein change: p.Trp157Ter; replaces tryptophan 157 with a stop codon.
Molecular consequence: nonsense.
Genome position (GRCh38, 1-based): chr1:25,808,614, G>A. VCF-style: chr1-25808614-G-A. GRCh37 (hg19) VCF-style: chr1-26135105-G-A.
Other names: c.572G>A, p.Trp191Ter (NM_020451.3); short protein forms W191*, W157*.
Identifiers: ClinVar variation 1420223 (VCV001420223.6), dbSNP rs2047929645, ClinGen allele CA339111573.